The following is an entry in ClinVar:

NM_001287491.2(TET3):c.1994C>T (p.Ala665Val)

Gene: TET3 (tet methylcytosine dioxygenase 3; plus strand). Cytogenetic location: 2p13.1.
Variant type: single nucleotide variant.
Coding change: c.1994C>T on transcript NM_001287491.2 (MANE Select); coding-DNA position 1994, C replaced by T.
Protein change: p.Ala665Val; replaces alanine 665 with valine.
Molecular consequence: missense variant.
Genome position (GRCh38, 1-based): chr2:74,047,911, C>T. VCF-style: chr2-74047911-C-T. GRCh37 (hg19) VCF-style: chr2-74275038-C-T.
Other names: c.1715C>T, p.Ala572Val (NM_001366022.1); c.1589C>T, p.Ala530Val (NM_144993.1); short protein forms A530V, A572V, A665V.
Identifiers: ClinVar variation 2663628 (VCV002663628.1), dbSNP rs756153001, ClinGen allele CA1718722.

ClinVar aggregate classification (germline): Uncertain significance (1 of 4 stars; one submission).

Allele frequency attached by ClinVar (database versions not stated): ExAC 0.00001; TOPMed 0.00002.
gnomAD v4.1: 22 of 1,613,578 alleles (0.0014%); highest among the groups gnomAD compares: East Asian, 0.0022%; no homozygotes.

Submission:

GeneDx
Classification: Uncertain significance. Last evaluated: 2023-05-04. Review status: criteria provided, single submitter. Criteria: GeneDx Variant Classification Process June 2021. Collection method: clinical testing. Allele origin: germline. Affected: yes.
Comment: In silico analysis supports that this missense variant does not alter protein structure/function; Has not been previously published as pathogenic or benign to our knowledge